The following is an entry in ClinVar:

ClinVar aggregate classification (germline): Conflicting classifications of pathogenicity. Review status: criteria provided, conflicting classifications (1 of 4 stars). 4 submissions from 4 submitters: Uncertain significance (1); Likely benign (3). Last evaluated 2025-11-10.

Conditions:
Brain small vessel disease 2A, autosomal dominant. Also called: Porencephaly 2. Identifiers: Orphanet 2940, Orphanet 99810, MedGen C3280970, MONDO:0013773, OMIM 614483.

Allele frequency attached by ClinVar (database versions not stated): TOPMed 0.00020; ExAC 0.00022; ESP Exome Variant Server 0.00040; gnomAD exomes 0.00009 and 0.00018; gnomAD 0.00015 and 0.00016.
gnomAD v4.1: 166 of 1,613,998 alleles (0.01%); highest among the groups gnomAD compares: Middle Eastern, 0.12%; no homozygotes.

Submissions (4):

Labcorp Genetics (formerly Invitae), Labcorp
Classification: Likely benign. Last evaluated: 2025-11-10. Review status: criteria provided, single submitter. Criteria: Invitae Variant Classification Sherloc (09022015). Collection method: clinical testing. Allele origin: germline.

Blueprint Genetics
Classification: Likely benign. Last evaluated: 2024-11-14. Review status: criteria provided, single submitter. Criteria: ACMG Guidelines, 2015. Collection method: clinical testing. Allele origin: germline.

Illumina Laboratory Services, Illumina
Classification: Likely benign for Brain small vessel disease 2A, autosomal dominant. Last evaluated: 2018-01-13. Review status: criteria provided, single submitter. Criteria: ICSL Variant Classification Criteria 13 December 2019. Collection method: clinical testing. Allele origin: germline.
Comment: This variant was observed in the ICSL laboratory as part of a predisposition screen in an ostensibly healthy population. It had not been previously curated by ICSL or reported in the Human Gene Mutation Database (HGMD: prior to June 1st, 2018), and was therefore a candidate for classification through an automated scoring system. Utilizing variant allele frequency, disease prevalence and penetrance estimates, and inheritance mode, an automated score was calculated to assess if this variant is too frequent to cause the disease. Based on the score and internal cut-off values, a variant classified as likely benign is not then subjected to further curation. The score for this variant resulted in a classification of likely benign for this disease.

GeneDx
Classification: Uncertain significance. Last evaluated: 2017-01-19. Review status: criteria provided, single submitter. Criteria: GeneDx Variant Classification (06012015). Collection method: clinical testing. Allele origin: germline. Affected: yes.
Comment: The A1086V variant in the COL4A2 gene has not been reported previously as a pathogenic variant, nor as a benign variant, to our knowledge. The A1086V variant was not observed at any significant frequency in approximately 6,200 individuals of European and African American ancestry by the NHLBI Exome Sequencing Project. The A1086V variant is a conservative amino acid substitution, which occurs at a non-Glycine residue that is not conserved within the collagen triple-helical region containing Gly-X-Y repeats. Substitutions of Glycine residues in these Gly-X-Y motifs within the triple helical regions of the COL4A2 protein represent the majority of variants reported in association with COL4A2-related disorders (Jeanne and Gould, 2016). In silico analysis is inconsistent in its predictions as to whether or not the variant is damaging to the protein structure/function. We interpret A1086V as a variant of uncertain significance.

NM_001846.4(COL4A2):c.3257C>T (p.Ala1086Val)

Gene: COL4A2 (collagen type IV alpha 2 chain; plus strand). Cytogenetic location: 13q34.
Variant type: single nucleotide variant.
Coding change: c.3257C>T on transcript NM_001846.4 (MANE Select); coding-DNA position 3257, C replaced by T.
Protein change: p.Ala1086Val; replaces alanine 1086 with valine.
Molecular consequence: missense variant.
Genome position (GRCh38, 1-based): chr13:110,489,494, C>T. VCF-style: chr13-110489494-C-T. GRCh37 (hg19) VCF-style: chr13-111141841-C-T.
Other names: short protein forms A1086V.
Identifiers: ClinVar variation 392569 (VCV000392569.16), dbSNP rs370679299, ClinGen allele CA7050132.